The following is an entry in ClinVar:

ClinVar aggregate classification (germline): Uncertain significance (1 of 4 stars; one submission).

Submission:

GeneDx
Classification: Uncertain significance. Last evaluated: 2015-04-08. Review status: criteria provided, single submitter. Criteria: GeneDx Variant Classification (06012015). Collection method: clinical testing. Allele origin: germline. Affected: yes.
Comment: p.Asp124Gly (GAC>GGC): c.371 A>G in exon 4 of the CACNB4 gene (NM_000726.2). The Asp124Gly missense change has not been published as a mutation, nor has it been reported as a benign polymorphism to our knowledge. It was not observed in approximately 6,000 individuals of European and African American ancestry in the NHLBI Exome Sequencing Project, indicating it is not a common benign variant in these populations. This variant is a non-conservative amino acid substitution of a negatively charged Aspartic acid residue with an uncharged Glycine residue at a position that is conserved across species. In silico analysis predicts this variant is probably damaging to the protein structure/function. However, other missense mutations have not been reported in this region of the protein. Therefore, based on the currently available information, it is unclear whether Asp124Gly is a disease-causing mutation or a rare benign variant. The variant is found in EPILEPSY panel(s).

NM_000726.5(CACNB4):c.371A>G (p.Asp124Gly)

Gene: CACNB4 (calcium voltage-gated channel auxiliary subunit beta 4; minus strand). Cytogenetic location: 2q23.3.
Variant type: single nucleotide variant.
Coding change: c.371A>G on transcript NM_000726.5 (MANE Select); coding-DNA position 371, A replaced by G.
Protein change: p.Asp124Gly; replaces aspartic acid 124 with glycine.
Molecular consequence: missense variant. On other transcripts: 5 prime UTR variant (2).
Genome position (GRCh38, 1-based): chr2:151,880,819, T>C on the plus strand (A>G on the coding strand, the complement: CACNB4 is on the minus strand). VCF-style: chr2-151880819-T-C. GRCh37 (hg19) VCF-style: chr2-152737333-T-C.
Other names: p.D124G:GAC>GGC; c.317A>G, p.Asp106Gly (NM_001005746.4, NM_001330113.2); c.269A>G, p.Asp90Gly (NM_001005747.4, NM_001330115.2); c.371A>G, p.Asp124Gly (NM_001145798.3); c.230A>G, p.Asp77Gly (NM_001320722.3, NM_001330116.2, NM_001330118.2); c.-264A>G (NM_001330114.2); c.-188A>G (NM_001330117.2); short protein forms D124G, D90G, D106G, D77G.
Identifiers: ClinVar variation 204926 (VCV000204926.2), dbSNP rs796052286, ClinGen allele CA313380.